The following is an entry in ClinVar:

NM_021922.3(FANCE):c.425G>T (p.Arg142Met)

Gene: FANCE (FA complementation group E; plus strand). Cytogenetic location: 6p21.31.
Variant type: single nucleotide variant.
Coding change: c.425G>T on transcript NM_021922.3 (MANE Select); coding-DNA position 425, G replaced by T.
Protein change: p.Arg142Met; replaces arginine 142 with methionine.
Molecular consequence: missense variant.
Genome position (GRCh38, 1-based): chr6:35,455,923, G>T. VCF-style: chr6-35455923-G-T. GRCh37 (hg19) VCF-style: chr6-35423700-G-T.
Other names: c.425G>T, p.Arg142Met (NM_001410876.1); short protein forms R142M.
Identifiers: ClinVar variation 4738374 (VCV004738374.1).

ClinVar aggregate classification (germline): Uncertain significance (1 of 4 stars; one submission).

Conditions:
Fanconi anemia complementation group E (FANCE). Also called: FANCE-Related Fanconi Anemia. Identifiers: Orphanet 84, MedGen C3160739, MONDO:0010953, OMIM 600901.

gnomAD v4.1: 1 of 1,614,176 alleles (0.000062%); highest among the groups gnomAD compares: South Asian, 0.0011%; no homozygotes.

Submission:

Labcorp Genetics (formerly Invitae), Labcorp
Classification: Uncertain significance for Fanconi anemia complementation group E. Last evaluated: 2025-07-01. Review status: criteria provided, single submitter. Criteria: Invitae Variant Classification Sherloc (09022015). Collection method: clinical testing. Allele origin: germline.
Comment: This sequence change replaces arginine, which is basic and polar, with methionine, which is neutral and non-polar, at codon 142 of the FANCE protein (p.Arg142Met). This variant is not present in population databases (gnomAD no frequency). This variant has not been reported in the literature in individuals affected with FANCE-related conditions. Invitae Evidence Modeling of protein sequence and biophysical properties (such as structural, functional, and spatial information, amino acid conservation, physicochemical variation, residue mobility, and thermodynamic stability) indicates that this missense variant is expected to disrupt FANCE protein function with a positive predictive value of 80%. In summary, the available evidence is currently insufficient to determine the role of this variant in disease. Therefore, it has been classified as a Variant of Uncertain Significance.